The following is an entry in ClinVar:

ClinVar aggregate classification (germline): Uncertain significance (1 of 4 stars; one submission).

Conditions:
Atrioventricular septal defect 4 (AVSD4). Identifiers: MedGen C3280781, MONDO:0013747, OMIM 614430.

Submission:

Labcorp Genetics (formerly Invitae), Labcorp
Classification: Uncertain significance for Atrioventricular septal defect 4. Last evaluated: 2021-12-02. Review status: criteria provided, single submitter. Criteria: Invitae Variant Classification Sherloc (09022015). Collection method: clinical testing. Allele origin: germline.
Comment: Experimental studies and prediction algorithms are not available or were not evaluated, and the functional significance of this variant is currently unknown. In summary, the available evidence is currently insufficient to determine the role of this variant in disease. Therefore, it has been classified as a Variant of Uncertain Significance. This variant has not been reported in the literature in individuals affected with GATA4-related conditions. This variant results in a copy number gain of the genomic region encompassing exon(s) 2 of the GATA4 gene. This region includes the initiator codon of the gene. This copy number gain extends beyond the assayed region for this gene and therefore may encompass additional genes. As the precise location of this event is unknown, it may be in tandem or it may be located elsewhere in the genome.

NC_000008.10:g.(?_11565822)_(11566457_?)dup

Gene: GATA4 (GATA binding protein 4). Cytogenetic location: 8p23.1.
Variant type: Duplication.
Identifiers: ClinVar variation 2424350 (VCV002424350.3).